The following is an entry in ClinVar:

NM_002528.7(NTHL1):c.392C>T (p.Ser131Phe)

Gene: NTHL1 (nth like DNA glycosylase 1; minus strand). Cytogenetic location: 16p13.3.
Variant type: single nucleotide variant.
Coding change: c.392C>T on transcript NM_002528.7 (MANE Select); coding-DNA position 392, C replaced by T.
Protein change: p.Ser131Phe; replaces serine 131 with phenylalanine.
Molecular consequence: missense variant. On other transcripts: intron variant (1).
Genome position (GRCh38, 1-based): chr16:2,044,763, G>A on the plus strand (C>T on the coding strand, the complement: NTHL1 is on the minus strand). VCF-style: chr16-2044763-G-A. GRCh37 (hg19) VCF-style: chr16-2094764-G-A.
Other names: c.62C>T, p.Ser21Phe (NM_001318194.2); c.355-1037C>T (NM_001318193.2); c.392C>T, p.Ser131Phe (LRG_1366t1); short protein forms S131F, S21F.
Identifiers: ClinVar variation 644568 (VCV000644568.10), dbSNP rs1596220473, ClinGen allele CA394294600.

ClinVar aggregate classification (germline): Uncertain significance. Review status: criteria provided, multiple submitters, no conflicts (2 of 4 stars). 2 submissions from 2 submitters: Uncertain significance (2). Last evaluated 2025-11-25.

Conditions:
Hereditary cancer-predisposing syndrome. Also called: Neoplastic Syndromes, Hereditary; Tumor predisposition; Hereditary neoplastic syndrome; Hereditary Cancer Syndrome. Identifiers: Orphanet 140162, MedGen C0027672, MeSH D009386, MONDO:0015356.

Submissions (2):

Ambry Genetics
Classification: Uncertain significance for Hereditary cancer-predisposing syndrome. Last evaluated: 2025-11-25. Review status: criteria provided, single submitter. Criteria: Ambry Variant Classification Scheme 2023. Collection method: clinical testing. Allele origin: germline.
Comment: The p.S139F variant (also known as c.416C>T), located in coding exon 3 of the NTHL1 gene, results from a C to T substitution at nucleotide position 416. The serine at codon 139 is replaced by phenylalanine, an amino acid with highly dissimilar properties. This amino acid position is conserved. In addition, this alteration is predicted to be deleterious by in silico analysis. Since supporting evidence is limited at this time, the clinical significance of this alteration remains unclear.

Labcorp Genetics (formerly Invitae), Labcorp
Classification: Uncertain significance. Last evaluated: 2023-06-05. Review status: criteria provided, single submitter. Criteria: Invitae Variant Classification Sherloc (09022015). Collection method: clinical testing. Allele origin: germline.
Comment: An algorithm developed to predict the effect of missense changes on protein structure and function (PolyPhen-2) suggests that this variant is likely to be disruptive. In summary, the available evidence is currently insufficient to determine the role of this variant in disease. Therefore, it has been classified as a Variant of Uncertain Significance. ClinVar contains an entry for this variant (Variation ID: 644568). This variant has not been reported in the literature in individuals affected with NTHL1-related conditions. This variant is not present in population databases (gnomAD no frequency). This sequence change replaces serine, which is neutral and polar, with phenylalanine, which is neutral and non-polar, at codon 139 of the NTHL1 protein (p.Ser139Phe).